The following is an entry in ClinVar:

NM_000293.3(PHKB):c.3214G>A (p.Ala1072Thr)

Gene: PHKB (phosphorylase kinase regulatory subunit beta; plus strand). Cytogenetic location: 16q12.1.
Variant type: single nucleotide variant.
Coding change: c.3214G>A on transcript NM_000293.3 (MANE Select); coding-DNA position 3214, G replaced by A.
Protein change: p.Ala1072Thr; replaces alanine 1072 with threonine.
Molecular consequence: missense variant.
Genome position (GRCh38, 1-based): chr16:47,699,298, G>A. VCF-style: chr16-47699298-G-A. GRCh37 (hg19) VCF-style: chr16-47733209-G-A.
Other names: c.3193G>A, p.Ala1065Thr (NM_001031835.3); c.3214G>A, p.Ala1072Thr (NM_001363837.1); c.3214G>A (NM_000293.2); short protein forms A1065T, A1072T.
Identifiers: ClinVar variation 1390645 (VCV001390645.8), dbSNP rs769735460, ClinGen allele CA8041485.

ClinVar aggregate classification (germline): Uncertain significance. Review status: criteria provided, multiple submitters, no conflicts (2 of 4 stars). 2 submissions from 2 submitters: Uncertain significance (2). Last evaluated 2026-01-14.

Conditions:
Inborn genetic diseases. Identifiers: MedGen C0950123, MeSH D030342.
Glycogen storage disease IXb (GSD9B). Also called: PHOSPHORYLASE KINASE DEFICIENCY OF LIVER AND MUSCLE, AUTOSOMAL RECESSIVE; GLYCOGENOSIS OF LIVER AND MUSCLE, AUTOSOMAL RECESSIVE; GSD IXb. Identifiers: Orphanet 79240, MedGen C0543514, MONDO:0009868, OMIM 261750.

Allele frequency attached by ClinVar (database versions not stated): ExAC 0.00001; gnomAD 0.00001; TOPMed 0.00001; gnomAD exomes 0.00002.
gnomAD v4.1: 10 of 1,613,986 alleles (0.00062%); highest among the groups gnomAD compares: Non-Finnish European, 0.00085%; no homozygotes.

Submissions (2):

Labcorp Genetics (formerly Invitae), Labcorp
Classification: Uncertain significance for Glycogen storage disease IXb. Last evaluated: 2026-01-14. Review status: criteria provided, single submitter. Criteria: Invitae Variant Classification Sherloc (09022015). Collection method: clinical testing. Allele origin: germline.
Comment: This sequence change replaces alanine, which is neutral and non-polar, with threonine, which is neutral and polar, at codon 1072 of the PHKB protein (p.Ala1072Thr). This variant is present in population databases (rs769735460, gnomAD 0.006%). This variant has not been reported in the literature in individuals affected with PHKB-related conditions. ClinVar contains an entry for this variant (Variation ID: 1390645). An algorithm developed to predict the effect of missense changes on protein structure and function (PolyPhen-2) suggests that this variant is likely to be tolerated. In summary, the available evidence is currently insufficient to determine the role of this variant in disease. Therefore, it has been classified as a Variant of Uncertain Significance.

Ambry Genetics
Classification: Uncertain significance for Inborn genetic diseases. Last evaluated: 2025-05-28. Review status: criteria provided, single submitter. Criteria: Ambry Variant Classification Scheme 2023. Collection method: clinical testing. Allele origin: germline.